The following is an entry in ClinVar:

ClinVar aggregate classification (germline): Uncertain significance (1 of 4 stars; one submission).

Submission:

Labcorp Genetics (formerly Invitae), Labcorp
Classification: Uncertain significance. Last evaluated: 2024-10-29. Review status: criteria provided, single submitter. Criteria: Invitae Variant Classification Sherloc (09022015). Collection method: clinical testing. Allele origin: germline.
Comment: This sequence change replaces alanine, which is neutral and non-polar, with aspartic acid, which is acidic and polar, at codon 1385 of the ERCC6 protein (p.Ala1385Asp). This variant is not present in population databases (gnomAD no frequency). This variant has not been reported in the literature in individuals affected with ERCC6-related conditions. ClinVar contains an entry for this variant (Variation ID: 2077285). Invitae Evidence Modeling of protein sequence and biophysical properties (such as structural, functional, and spatial information, amino acid conservation, physicochemical variation, residue mobility, and thermodynamic stability) indicates that this missense variant is not expected to disrupt ERCC6 protein function with a negative predictive value of 95%. In summary, the available evidence is currently insufficient to determine the role of this variant in disease. Therefore, it has been classified as a Variant of Uncertain Significance.

NM_000124.4(ERCC6):c.4154C>A (p.Ala1385Asp)

Gene: ERCC6 (ERCC excision repair 6, chromatin remodeling factor; minus strand). Cytogenetic location: 10q11.23.
Variant type: single nucleotide variant.
Coding change: c.4154C>A on transcript NM_000124.4 (MANE Select); coding-DNA position 4154, C replaced by A.
Protein change: p.Ala1385Asp; replaces alanine 1385 with aspartic acid.
Molecular consequence: missense variant.
Genome position (GRCh38, 1-based): chr10:49,459,143, G>T on the plus strand (C>A on the coding strand, the complement: ERCC6 is on the minus strand). VCF-style: chr10-49459143-G-T. GRCh37 (hg19) VCF-style: chr10-50667189-G-T.
Other names: c.4154C>A, p.Ala1385Asp (NM_001346440.2); short protein forms A1385D.
Identifiers: ClinVar variation 2077285 (VCV002077285.4), dbSNP rs762286899, ClinGen allele CA376704238.
Genomic context (GRCh38, chr10:49,459,143, plus strand): 5'-AAACGCTCTGGCAGAATCAGGTGGTTTCTAGCTCTCATTTTAGCCAAGAGTGAGGAGGAA[G>T]CGAGGGGCCCGGATGAAGAGTCTGCATCTTCTGCTCTTCCACTAAAATGCTCAGGGACAT-3'
Protein context (NP_000115.1, residues 1375-1395): EDADSSSGPL[Ala1385Asp]SSSLLAKMRA